The following is an entry in ClinVar:

NM_020911.2(PLXNA4):c.2699A>T (p.Glu900Val)

Gene: PLXNA4 (plexin A4; minus strand). Cytogenetic location: 7q32.3.
Variant type: single nucleotide variant.
Coding change: c.2699A>T on transcript NM_020911.2 (MANE Select); coding-DNA position 2699, A replaced by T.
Protein change: p.Glu900Val; replaces glutamic acid 900 with valine.
Molecular consequence: missense variant.
Genome position (GRCh38, 1-based): chr7:132,198,524, T>A on the plus strand (A>T on the coding strand, the complement: PLXNA4 is on the minus strand). VCF-style: chr7-132198524-T-A. GRCh37 (hg19) VCF-style: chr7-131883283-T-A.
Other names: c.2699A>T, p.Glu900Val (NM_001393897.1); short protein forms E900V.
Identifiers: ClinVar variation 3352376 (VCV003352376.2).

ClinVar aggregate classification (germline): Uncertain significance (1 of 4 stars; one submission).

Conditions:
PLXNA4-related disorder. Also called: PLXNA4-related condition.

gnomAD v4.1: 31 of 1,614,124 alleles (0.0019%); highest among the groups gnomAD compares: African/African-American, 0.039%; no homozygotes.

Submission:

PreventionGenetics, part of Exact Sciences
Classification: Uncertain significance for PLXNA4-related condition. Last evaluated: 2026-07-21. Review status: criteria provided, single submitter. Criteria: ACMG Guidelines, 2015. Collection method: clinical testing. Allele origin: germline.
Comment: The PLXNA4 c.2699A>T variant is predicted to result in the amino acid substitution p.Glu900Val. To our knowledge, this variant has not been reported in the literature. This variant is reported in 0.041% of alleles in individuals of African descent in gnomAD. At this time, the clinical significance of this variant is uncertain due to the absence of conclusive functional and genetic evidence.